The following is an entry in ClinVar:

ClinVar aggregate classification (germline): Uncertain significance. Review status: criteria provided, multiple submitters, no conflicts (2 of 4 stars). 2 submissions from 2 submitters: Uncertain significance (2). Last evaluated 2025-03-05.

Conditions:
Hereditary cancer-predisposing syndrome. Also called: Neoplastic Syndromes, Hereditary; Hereditary Cancer Syndrome; Tumor predisposition; Hereditary neoplastic syndrome. Identifiers: Orphanet 140162, MedGen C0027672, MeSH D009386, MONDO:0015356.
Hereditary breast ovarian cancer syndrome. Also called: Hereditary breast and ovarian cancer syndrome; BRCA1- and BRCA2-Associated Hereditary Breast and Ovarian Cancer; Hereditary breast and/or ovarian cancer syndrome; Hereditary breast and ovarian cancer; Hereditary breast and ovarian cancer syndrome (HBOC); Breast and ovarian cancer. Identifiers: Orphanet 145, MedGen C0677776, MeSH D061325, MONDO:0003582. Disease mechanism: loss of function.

Submissions (2):

Ambry Genetics
Classification: Uncertain significance for Hereditary cancer-predisposing syndrome. Last evaluated: 2025-03-05. Review status: criteria provided, single submitter. Criteria: Ambry Variant Classification Scheme 2023. Collection method: clinical testing. Allele origin: germline.
Comment: The p.G3210R variant (also known as c.9628G>C), located in coding exon 25 of the BRCA2 gene, results from a G to C substitution at nucleotide position 9628. The glycine at codon 3210 is replaced by arginine, an amino acid with dissimilar properties. This amino acid position is not well conserved in available vertebrate species. In addition, this alteration is predicted to be tolerated by in silico analysis. Based on the available evidence, the clinical significance of this variant remains unclear.

Labcorp Genetics (formerly Invitae), Labcorp
Classification: Uncertain significance for Hereditary breast ovarian cancer syndrome. Last evaluated: 2023-05-01. Review status: criteria provided, single submitter. Criteria: Invitae Variant Classification Sherloc (09022015). Collection method: clinical testing. Allele origin: germline.
Comment: In summary, the available evidence is currently insufficient to determine the role of this variant in disease. Therefore, it has been classified as a Variant of Uncertain Significance. Advanced modeling of protein sequence and biophysical properties (such as structural, functional, and spatial information, amino acid conservation, physicochemical variation, residue mobility, and thermodynamic stability) performed at Invitae indicates that this missense variant is not expected to disrupt BRCA2 protein function. ClinVar contains an entry for this variant (Variation ID: 853620). This variant has not been reported in the literature in individuals affected with BRCA2-related conditions. This variant is not present in population databases (gnomAD no frequency). This sequence change replaces glycine, which is neutral and non-polar, with arginine, which is basic and polar, at codon 3210 of the BRCA2 protein (p.Gly3210Arg).

Literature cited by the submitters: PubMed 31409081 (cited by Ambry Genetics).

NM_000059.4(BRCA2):c.9628G>C (p.Gly3210Arg)

Gene: BRCA2 (BRCA2 DNA repair associated; plus strand). Cytogenetic location: 13q13.1.
Variant type: single nucleotide variant.
Coding change: c.9628G>C on transcript NM_000059.4 (MANE Select); coding-DNA position 9628, G replaced by C.
Protein change: p.Gly3210Arg; replaces glycine 3210 with arginine.
Molecular consequence: missense variant.
Genome position (GRCh38, 1-based): chr13:32,397,024, G>C. VCF-style: chr13-32397024-G-C. GRCh37 (hg19) VCF-style: chr13-32971161-G-C.
Other names: short protein forms G3210R.
Identifiers: ClinVar variation 853620 (VCV000853620.13), dbSNP rs1064794491, ClinGen allele CA387763739.